The following is an entry in ClinVar:

NM_013247.5(HTRA2):c.1366G>A (p.Val456Ile)

Genes: HTRA2 (HtrA serine peptidase 2; plus strand), LOXL3 (lysyl oxidase like 3; minus strand). Cytogenetic location: 2p13.1.
Variant type: single nucleotide variant.
Coding change: c.1366G>A on transcript NM_013247.5 (MANE Select); coding-DNA position 1366, G replaced by A.
Protein change: p.Val456Ile; replaces valine 456 with isoleucine.
Molecular consequence: missense variant. On other transcripts: non-coding transcript variant (4), 3 prime UTR variant (3).
Genome position (GRCh38, 1-based): chr2:74,532,974, G>A. VCF-style: chr2-74532974-G-A. GRCh37 (hg19) VCF-style: chr2-74760101-G-A.
Other names: c.1300G>A, p.Val434Ile (NM_001321727.1); c.1270G>A, p.Val424Ile (NM_001321728.1); c.1075G>A, p.Val359Ile (NM_145074.2); c.*632C>T (NM_001289164.3, NM_001289165.2, NM_032603.5); short protein forms V359I, V424I, V434I, V456I.
Identifiers: ClinVar variation 1695758 (VCV001695758.2), dbSNP rs1448729436, ClinGen allele CA347383357.

ClinVar aggregate classification (germline): Uncertain significance (1 of 4 stars; one submission).

gnomAD v4.1: 2 of 1,613,850 alleles (0.00012%); highest among the groups gnomAD compares: Non-Finnish European, 0.00017%; no homozygotes.

Submission:

GeneDx
Classification: Uncertain significance. Last evaluated: 2022-01-09. Review status: criteria provided, single submitter. Criteria: GeneDx Variant Classification Process June 2021. Collection method: clinical testing. Allele origin: germline. Affected: yes.
Comment: Has not been previously published as pathogenic or benign to our knowledge; Not observed at significant frequency in large population cohorts (gnomAD); In silico analysis supports that this missense variant does not alter protein structure/function